The following is an entry in ClinVar:

NM_005902.4(SMAD3):c.753G>A (p.Ser251=)

Gene: SMAD3 (SMAD family member 3; plus strand). Cytogenetic location: 15q22.33.
Variant type: single nucleotide variant.
Coding change: c.753G>A on transcript NM_005902.4 (MANE Select); coding-DNA position 753, G replaced by A.
Protein change: p.Ser251=; no amino-acid change (serine 251 retained).
Molecular consequence: synonymous variant.
Genome position (GRCh38, 1-based): chr15:67,181,335, G>A. VCF-style: chr15-67181335-G-A. GRCh37 (hg19) VCF-style: chr15-67473673-G-A.
Other names: c.438G>A, p.Ser146= (NM_001145102.2); c.621G>A, p.Ser207= (NM_001145103.2); c.168G>A, p.Ser56= (NM_001145104.2).
Identifiers: ClinVar variation 767565 (VCV000767565.15), dbSNP rs975704644, ClinGen allele CA272391023.

ClinVar aggregate classification (germline): Likely benign. Review status: criteria provided, multiple submitters, no conflicts (2 of 4 stars). 5 submissions from 5 submitters: Likely benign (5). Last evaluated 2025-11-08.

Conditions:
Familial thoracic aortic aneurysm and aortic dissection (TAAD). Also called: Thoracic aortic aneurysms and dissections. Identifiers: Orphanet 91387, MedGen C4707243, MONDO:0019625.
Aneurysm-osteoarthritis syndrome. Also called: Loeys-Dietz syndrome, type 1C; SMAD3-Related Loeys-Dietz Syndrome; LOEYS-DIETZ SYNDROME WITH OSTEOARTHRITIS; ANEURYSMS-OSTEOARTHRITIS SYNDROME. Identifiers: Orphanet 284984, MedGen C3151087, MONDO:0013426, OMIM 613795.

Allele frequency attached by ClinVar (database versions not stated): TOPMed 0.00001; gnomAD exomes 0.00002.
gnomAD v4.1: 38 of 1,614,032 alleles (0.0024%); highest among the groups gnomAD compares: South Asian, 0.0099%; no homozygotes.

Submissions (5):

Labcorp Genetics (formerly Invitae), Labcorp
Classification: Likely benign for Familial thoracic aortic aneurysm and aortic dissection. Last evaluated: 2025-11-08. Review status: criteria provided, single submitter. Criteria: Invitae Variant Classification Sherloc (09022015). Collection method: clinical testing. Allele origin: germline.

Ambry Genetics
Classification: Likely benign for Familial thoracic aortic aneurysm and aortic dissection. Last evaluated: 2025-06-10. Review status: criteria provided, single submitter. Criteria: Ambry Variant Classification Scheme 2023. Collection method: clinical testing. Allele origin: germline.

All of Us Research Program, National Institutes of Health
Classification: Likely benign for Aneurysm-osteoarthritis syndrome. Last evaluated: 2023-06-27. Review status: criteria provided, single submitter. Criteria: ACMG Guidelines, 2015. Collection method: clinical testing. Allele origin: germline. Inheritance: Autosomal dominant inheritance. Observed: 1 variant allele, 1 heterozygote.
Comment: This study involves interpretation of variants in research participants for the purpose of population health screening. Participant phenotype was not available at the time of variant classification. Additional details can be found in publication PMID: 35346344, PMCID: PMC8962531

Blueprint Genetics
Classification: Likely benign. Last evaluated: 2019-08-27. Review status: criteria provided, single submitter. Criteria: ACMG Guidelines, 2015. Collection method: clinical testing. Allele origin: germline.

Color Diagnostics, LLC DBA Color Health
Classification: Likely benign for Familial thoracic aortic aneurysm and aortic dissection. Last evaluated: 2019-05-16. Review status: criteria provided, single submitter. Criteria: ACMG Guidelines, 2015. Collection method: clinical testing. Allele origin: germline.